The following is an entry in ClinVar:

NC_000009.11:g.(?_135774789)_(135782763_?)del

Gene: TSC1 (TSC complex subunit 1; minus strand). Cytogenetic location: 9q34.13.
Variant type: Deletion.
Identifiers: ClinVar variation 3245184 (VCV003245184.1).

ClinVar aggregate classification (germline): Pathogenic (1 of 4 stars; one submission).

Conditions:
Tuberous sclerosis 1 (TSC1). Identifiers: Orphanet 805, MedGen C1854465, MONDO:0008612, OMIM 191100.

Submission:

Labcorp Genetics (formerly Invitae), Labcorp
Classification: Pathogenic for Tuberous sclerosis 1. Last evaluated: 2023-01-02. Review status: criteria provided, single submitter. Criteria: Invitae Variant Classification Sherloc (09022015). Collection method: clinical testing. Allele origin: unknown.
Comment: This variant is a gross deletion of the genomic region encompassing exon(s) 13-20 of the TSC1 gene. This variant would be expected to be in-frame, preserving the integrity of the reading frame. This variant has not been reported in the literature in individuals affected with TSC1-related conditions. For these reasons, this variant has been classified as Pathogenic. This variant disrupts a region of the TSC1 protein in which other variant(s) (p.Ala726Glu) have been determined to be pathogenic (PMID: 9328481). This suggests that this is a clinically significant region of the protein, and that variants that disrupt it are likely to be disease-causing.

Literature cited by the submitters: PubMed 9328481.